The following is an entry in ClinVar:

ClinVar aggregate classification (germline): Uncertain significance (1 of 4 stars; one submission).

Submission:

Labcorp Genetics (formerly Invitae), Labcorp
Classification: Uncertain significance. Last evaluated: 2024-03-22. Review status: criteria provided, single submitter. Criteria: Invitae Variant Classification Sherloc (09022015). Collection method: clinical testing. Allele origin: germline.
Comment: This sequence change falls in intron 26 of the PRPF8 gene. It does not directly change the encoded amino acid sequence of the PRPF8 protein. This variant is not present in population databases (gnomAD no frequency). This variant has not been reported in the literature in individuals affected with PRPF8-related conditions. Algorithms developed to predict the effect of sequence changes on RNA splicing suggest that this variant may create or strengthen a splice site. In summary, the available evidence is currently insufficient to determine the role of this variant in disease. Therefore, it has been classified as a Variant of Uncertain Significance.

NM_006445.4(PRPF8):c.4203-14T>C

Gene: PRPF8 (pre-mRNA processing factor 8; minus strand). Cytogenetic location: 17p13.3.
Variant type: single nucleotide variant.
Coding change: c.4203-14T>C on transcript NM_006445.4 (MANE Select); 14 bases into the intron before coding-DNA position 4203, T replaced by C.
Molecular consequence: intron variant.
Genome position (GRCh38, 1-based): chr17:1,661,420, A>G on the plus strand (T>C on the coding strand, the complement: PRPF8 is on the minus strand). VCF-style: chr17-1661420-A-G. GRCh37 (hg19) VCF-style: chr17-1564714-A-G.
Identifiers: ClinVar variation 2961084 (VCV002961084.3), dbSNP rs2543734311, ClinGen allele CA2740095184.